The following is an entry in ClinVar:

ClinVar aggregate classification (germline): Uncertain significance (1 of 4 stars; one submission).

Submission:

Labcorp Genetics (formerly Invitae), Labcorp
Classification: Uncertain significance. Last evaluated: 2026-01-18. Review status: criteria provided, single submitter. Criteria: Invitae Variant Classification Sherloc (09022015). Collection method: clinical testing. Allele origin: germline.
Comment: This sequence change replaces phenylalanine, which is neutral and non-polar, with leucine, which is neutral and non-polar, at codon 1522 of the MYO18B protein (p.Phe1522Leu). This variant is present in population databases (rs774260381, gnomAD 0.006%). This variant has not been reported in the literature in individuals affected with MYO18B-related conditions. An algorithm developed to predict the effect of missense changes on protein structure and function outputs the following: PolyPhen-2: "Benign". The leucine amino acid residue is found in multiple mammalian species, which suggests that this missense change does not adversely affect protein function. In summary, the available evidence is currently insufficient to determine the role of this variant in disease. Therefore, it has been classified as a Variant of Uncertain Significance.

NM_032608.7(MYO18B):c.4564T>C (p.Phe1522Leu)

Genes: MYO18B (myosin XVIIIB; plus strand), MYO18B-AS1 (MYO18B antisense RNA 1; minus strand). Cytogenetic location: 22q12.1.
Variant type: single nucleotide variant.
Coding change: c.4564T>C on transcript NM_032608.7 (MANE Select); coding-DNA position 4564, T replaced by C.
Protein change: p.Phe1522Leu; replaces phenylalanine 1522 with leucine.
Molecular consequence: missense variant.
Genome position (GRCh38, 1-based): chr22:25,895,176, T>C. VCF-style: chr22-25895176-T-C. GRCh37 (hg19) VCF-style: chr22-26291143-T-C.
Other names: c.4567T>C, p.Phe1523Leu (NM_001318245.2); short protein forms F1523L, F1522L.
Identifiers: ClinVar variation 4780397 (VCV004780397.1).